The following is an entry in ClinVar:

NM_004260.4(RECQL4):c.2129G>T (p.Arg710Leu)

Gene: RECQL4 (RecQ like helicase 4; minus strand). Cytogenetic location: 8q24.3.
Variant type: single nucleotide variant.
Coding change: c.2129G>T on transcript NM_004260.4 (MANE Select); coding-DNA position 2129, G replaced by T.
Protein change: p.Arg710Leu; replaces arginine 710 with leucine.
Molecular consequence: missense variant. On other transcripts: non-coding transcript variant (2).
Genome position (GRCh38, 1-based): chr8:144,513,642, C>A on the plus strand (G>T on the coding strand, the complement: RECQL4 is on the minus strand). VCF-style: chr8-144513642-C-A. GRCh37 (hg19) VCF-style: chr8-145739026-C-A.
Other names: c.2033G>T, p.Arg678Leu (NM_001413017.1, NM_001413020.1); c.2129G>T, p.Arg710Leu (NM_001413018.1, NM_001413019.1, NM_001413036.1); c.1058G>T, p.Arg353Leu (NM_001413021.1, NM_001413022.1, NM_001413023.1 and 6 more transcripts); c.2000G>T, p.Arg667Leu (NM_001413025.1); c.992G>T, p.Arg331Leu (NM_001413027.1, NM_001413030.1, NM_001413032.1 and 1 more transcripts); c.1778G>T, p.Arg593Leu (NM_001413029.1); c.860G>T, p.Arg287Leu (NM_001413031.1); c.1997G>T, p.Arg666Leu (NM_001413033.1); and 4 more; short protein forms R221L, R287L, R353L, R667L, R678L, R700L, R309L, R331L.
Identifiers: ClinVar variation 3944361 (VCV003944361.1).

ClinVar aggregate classification (germline): Uncertain significance (1 of 4 stars; one submission).

Conditions:
Inborn genetic diseases. Identifiers: MedGen C0950123, MeSH D030342.

gnomAD v4.1: 1 of 1,586,208 alleles (0.000063%); highest among the groups gnomAD compares: Non-Finnish European, 0.000086%; no homozygotes.

Submission:

Ambry Genetics
Classification: Uncertain significance for Inborn genetic diseases. Last evaluated: 2025-06-12. Review status: criteria provided, single submitter. Criteria: Ambry Variant Classification Scheme 2023. Collection method: clinical testing. Allele origin: germline.
Comment: The p.R710L variant (also known as c.2129G>T), located in coding exon 13 of the RECQL4 gene, results from a G to T substitution at nucleotide position 2129. The arginine at codon 710 is replaced by leucine, an amino acid with dissimilar properties. This amino acid position is conserved. In addition, this alteration is predicted to be deleterious by in silico analysis. Based on the available evidence, the clinical significance of this variant remains unclear.